The following is an entry in ClinVar:

ClinVar aggregate classification (germline): Uncertain significance (1 of 4 stars; one submission).

Allele frequency attached by ClinVar (database versions not stated): TOPMed below 0.00001.

Submission:

Labcorp Genetics (formerly Invitae), Labcorp
Classification: Uncertain significance. Last evaluated: 2022-03-09. Review status: criteria provided, single submitter. Criteria: Invitae Variant Classification Sherloc (09022015). Collection method: clinical testing. Allele origin: germline.
Comment: In summary, the available evidence is currently insufficient to determine the role of this variant in disease. Therefore, it has been classified as a Variant of Uncertain Significance. Algorithms developed to predict the effect of sequence changes on RNA splicing suggest that this variant may disrupt the consensus splice site. Algorithms developed to predict the effect of missense changes on protein structure and function are either unavailable or do not agree on the potential impact of this missense change (SIFT: "Tolerated"; PolyPhen-2: "Possibly Damaging"; Align-GVGD: "Class C0"). This variant has not been reported in the literature in individuals affected with FAM161A-related conditions. This variant is not present in population databases (gnomAD no frequency). This sequence change replaces serine, which is neutral and polar, with threonine, which is neutral and polar, at codon 142 of the FAM161A protein (p.Ser142Thr).

NM_001201543.2(FAM161A):c.424T>A (p.Ser142Thr)

Gene: FAM161A (FAM161 centrosomal protein A; minus strand). Cytogenetic location: 2p15.
Variant type: single nucleotide variant.
Coding change: c.424T>A on transcript NM_001201543.2 (MANE Select); coding-DNA position 424, T replaced by A.
Protein change: p.Ser142Thr; replaces serine 142 with threonine.
Molecular consequence: missense variant.
Genome position (GRCh38, 1-based): chr2:61,840,580, A>T on the plus strand (T>A on the coding strand, the complement: FAM161A is on the minus strand). VCF-style: chr2-61840580-A-T. GRCh37 (hg19) VCF-style: chr2-62067715-A-T.
Other names: c.424T>A, p.Ser142Thr (NM_032180.3); short protein forms S142T.
Identifiers: ClinVar variation 1471024 (VCV001471024.4), dbSNP rs1672985337, ClinGen allele CA346989192.
Genomic context (GRCh38, chr2:61,840,580, plus strand): 5'-CAGGCTCTGAAAATGATGTCATTAATGAGACAGGGTGATAGGAGTTCTTTTCTGATACAG[A>T]TCTAAATGAGAAGAATAACTATGTTATACTTTCAGTTGTATGTGACCAAATATAAAAATT-3'
Protein context (NP_001188472.1, residues 132-152): REDSLSDSSR[Ser142Thr]VSEKNSYHPV